The following is an entry in ClinVar:

NM_017757.3(ZNF407):c.6334G>A (p.Ala2112Thr)

Gene: ZNF407 (zinc finger protein 407; plus strand). Cytogenetic location: 18q22.3.
Variant type: single nucleotide variant.
Coding change: c.6334G>A on transcript NM_017757.3 (MANE Select); coding-DNA position 6334, G replaced by A.
Protein change: p.Ala2112Thr; replaces alanine 2112 with threonine.
Molecular consequence: missense variant.
Genome position (GRCh38, 1-based): chr18:75,064,055, G>A. VCF-style: chr18-75064055-G-A. GRCh37 (hg19) VCF-style: chr18-72776011-G-A.
Other names: c.6334G>A, p.Ala2112Thr (NM_001384475.1); short protein forms A2112T.
Identifiers: ClinVar variation 3252568 (VCV003252568.1), dbSNP rs746460822.

ClinVar aggregate classification (germline): Uncertain significance (1 of 4 stars; one submission).

Allele frequency attached by ClinVar (database versions not stated): gnomAD 0.00001; gnomAD exomes 0.00001; TOPMed 0.00001; ExAC 0.00002.
gnomAD v4.1: 9 of 1,595,238 alleles (0.00056%); highest among the groups gnomAD compares: Admixed American, 0.016%; no homozygotes.

Submission:

GeneDx
Classification: Uncertain significance. Last evaluated: 2023-10-23. Review status: criteria provided, single submitter. Criteria: GeneDx Variant Classification Process June 2021. Collection method: clinical testing. Allele origin: germline. Affected: yes.
Comment: In silico analysis supports that this missense variant does not alter protein structure/function; Has not been previously published as pathogenic or benign to our knowledge